The following is an entry in ClinVar:

ClinVar aggregate classification (germline): Uncertain significance. Review status: criteria provided, multiple submitters, no conflicts (2 of 4 stars). 3 submissions from 3 submitters: Uncertain significance (3). Last evaluated 2024-11-27.

Conditions:
Inborn genetic diseases. Identifiers: MedGen C0950123, MeSH D030342.

Submissions (3):

Labcorp Genetics (formerly Invitae), Labcorp
Classification: Uncertain significance. Last evaluated: 2024-11-27. Review status: criteria provided, single submitter. Criteria: Invitae Variant Classification Sherloc (09022015). Collection method: clinical testing. Allele origin: germline.
Comment: This sequence change replaces lysine, which is basic and polar, with arginine, which is basic and polar, at codon 51 of the WNT1 protein (p.Lys51Arg). This variant is present in population databases (no rsID available, gnomAD 0.003%). This variant has not been reported in the literature in individuals affected with WNT1-related conditions. An algorithm developed to predict the effect of missense changes on protein structure and function (PolyPhen-2) suggests that this variant is likely to be tolerated. In summary, the available evidence is currently insufficient to determine the role of this variant in disease. Therefore, it has been classified as a Variant of Uncertain Significance.

Ambry Genetics
Classification: Uncertain significance for Inborn genetic diseases. Last evaluated: 2024-07-26. Review status: criteria provided, single submitter. Criteria: Ambry Variant Classification Scheme 2023. Collection method: clinical testing. Allele origin: germline.

GeneDx
Classification: Uncertain significance. Last evaluated: 2024-02-08. Review status: criteria provided, single submitter. Criteria: GeneDx Variant Classification Process June 2021. Collection method: clinical testing. Allele origin: germline. Affected: yes.
Comment: In silico analysis supports that this missense variant does not alter protein structure/function; Has not been previously published as pathogenic or benign to our knowledge

NM_005430.4(WNT1):c.152A>G (p.Lys51Arg)

Gene: WNT1 (Wnt family member 1; plus strand). Cytogenetic location: 12q13.12.
Variant type: single nucleotide variant.
Coding change: c.152A>G on transcript NM_005430.4 (MANE Select); coding-DNA position 152, A replaced by G.
Protein change: p.Lys51Arg; replaces lysine 51 with arginine.
Molecular consequence: missense variant.
Genome position (GRCh38, 1-based): chr12:48,979,515, A>G. VCF-style: chr12-48979515-A-G. GRCh37 (hg19) VCF-style: chr12-49373298-A-G.
Other names: short protein forms K51R.
Identifiers: ClinVar variation 3368589 (VCV003368589.4).
Genomic context (GRCh38, chr12:48,979,515, plus strand): 5'-TACGTCCCACCAGGGGTATTGTGAACGTAGCCTCCTCCACGAACCTGCTTACAGACTCCA[A>G]GAGTCTGCAACTGGTACTCGAGCCCAGTCTGCAGCTGTTGAGCCGCAAACAGCGGCGTCT-3'
Protein context (NP_005421.1, residues 41-61): ASSTNLLTDS[Lys51Arg]SLQLVLEPSL